The following is an entry in ClinVar:

NM_000548.5(TSC2):c.1186G>A (p.Asp396Asn)

Gene: TSC2 (TSC complex subunit 2; plus strand). Cytogenetic location: 16p13.3.
Variant type: single nucleotide variant.
Coding change: c.1186G>A on transcript NM_000548.5 (MANE Select); coding-DNA position 1186, G replaced by A.
Protein change: p.Asp396Asn; replaces aspartic acid 396 with asparagine.
Molecular consequence: missense variant.
Genome position (GRCh38, 1-based): chr16:2,061,937, G>A. VCF-style: chr16-2061937-G-A. GRCh37 (hg19) VCF-style: chr16-2111938-G-A.
Other names: c.1186G>A, p.Asp396Asn (NM_001077183.3, NM_001114382.3, NM_001363528.2 and 3 more transcripts); c.1075G>A, p.Asp359Asn (NM_001318827.2); c.1039G>A, p.Asp347Asn (NM_001318829.2); c.586G>A, p.Asp196Asn (NM_001318831.2); c.1219G>A, p.Asp407Asn (NM_001318832.2); short protein forms D407N, D196N, D359N, D347N, D396N.
Identifiers: ClinVar variation 951403 (VCV000951403.14), dbSNP rs1596303501, ClinGen allele CA394320585.
Genomic context (GRCh38, chr16:2,061,937, plus strand): 5'-GACAGCCCGGAGCTCAGGACCATCGTCCATGACCTGTTGACCACGGTGGAGGAGCTGTGT[G>A]ACCAGAACGAGTTCCACGGGTCTCAGGAGAGATACTTTGAACTGGTGGAGAGATGTGCGG-3'
Protein context (NP_000539.2, residues 386-406): DLLTTVEELC[Asp396Asn]QNEFHGSQER

ClinVar aggregate classification (germline): Uncertain significance. Review status: criteria provided, multiple submitters, no conflicts (2 of 4 stars). 4 submissions from 4 submitters: Uncertain significance (4). Last evaluated 2025-07-03.

Conditions:
Lymphangiomyomatosis (LAM). Also called: Lymphangioleiomyomatosis, somatic; Lymphangioleiomyomatosis. Identifiers: Orphanet 538, MedGen C0751674, MONDO:0011705, OMIM 606690.
Isolated focal cortical dysplasia type II (FCORD2). Also called: Focal cortical dysplasia type II; CORTICAL DYSPLASIA OF TAYLOR. Identifiers: Orphanet 268994, MedGen C1846385, MONDO:0011818, OMIM 607341, HP:0032051.
Tuberous sclerosis 2 (TSC2). Identifiers: Orphanet 805, MedGen C1860707, MONDO:0013199, OMIM 613254.
Hereditary cancer-predisposing syndrome. Also called: Hereditary neoplastic syndrome; Tumor predisposition; Neoplastic Syndromes, Hereditary; Hereditary Cancer Syndrome. Identifiers: Orphanet 140162, MedGen C0027672, MeSH D009386, MONDO:0015356.

Allele frequency attached by ClinVar (database versions not stated): gnomAD exomes below 0.00001; TOPMed below 0.00001; gnomAD 0.00001.
gnomAD v4.1: 2 of 1,614,076 alleles (0.00012%); highest among the groups gnomAD compares: African/African-American, 0.0013%; no homozygotes.

Submissions (4):

Ambry Genetics
Classification: Uncertain significance for Hereditary cancer-predisposing syndrome. Last evaluated: 2025-07-03. Review status: criteria provided, single submitter. Criteria: Ambry Variant Classification Scheme 2023. Collection method: clinical testing. Allele origin: germline.
Comment: The p.D396N variant (also known as c.1186G>A), located in coding exon 11 of the TSC2 gene, results from a G to A substitution at nucleotide position 1186. The aspartic acid at codon 396 is replaced by asparagine, an amino acid with highly similar properties. This amino acid position is conserved. In addition, the in silico prediction for this alteration is inconclusive. Since supporting evidence is limited at this time, the clinical significance of this alteration remains unclear.

Labcorp Genetics (formerly Invitae), Labcorp
Classification: Uncertain significance for Tuberous sclerosis 2. Last evaluated: 2025-05-07. Review status: criteria provided, single submitter. Criteria: Invitae Variant Classification Sherloc (09022015). Collection method: clinical testing. Allele origin: germline.
Comment: This sequence change replaces aspartic acid, which is acidic and polar, with asparagine, which is neutral and polar, at codon 396 of the TSC2 protein (p.Asp396Asn). This variant is not present in population databases (gnomAD no frequency). This variant has not been reported in the literature in individuals affected with TSC2-related conditions. ClinVar contains an entry for this variant (Variation ID: 951403). Invitae Evidence Modeling of protein sequence and biophysical properties (such as structural, functional, and spatial information, amino acid conservation, physicochemical variation, residue mobility, and thermodynamic stability) indicates that this missense variant is not expected to disrupt TSC2 protein function with a negative predictive value of 95%. In summary, the available evidence is currently insufficient to determine the role of this variant in disease. Therefore, it has been classified as a Variant of Uncertain Significance.

Fulgent Genetics
Classification: Uncertain significance for Lymphangiomyomatosis; Isolated focal cortical dysplasia type II; Tuberous sclerosis 2. Last evaluated: 2024-06-17. Review status: criteria provided, single submitter. Criteria: ACMG Guidelines, 2015. Collection method: clinical testing. Allele origin: germline.

GeneDx
Classification: Uncertain significance. Last evaluated: 2023-10-27. Review status: criteria provided, single submitter. Criteria: GeneDx Variant Classification Process June 2021. Collection method: clinical testing. Allele origin: germline. Affected: yes.
Comment: Not observed at significant frequency in large population cohorts (gnomAD); In silico analysis supports that this missense variant does not alter protein structure/function; Has not been previously published as pathogenic or benign to our knowledge